The following is an entry in ClinVar:

NM_000327.4(ROM1):c.812T>C (p.Met271Thr)

Gene: ROM1 (retinal outer segment membrane protein 1; plus strand). Cytogenetic location: 11q12.3.
Variant type: single nucleotide variant.
Coding change: c.812T>C on transcript NM_000327.4 (MANE Select); coding-DNA position 812, T replaced by C.
Protein change: p.Met271Thr; replaces methionine 271 with threonine.
Molecular consequence: missense variant.
Genome position (GRCh38, 1-based): chr11:62,614,479, T>C. VCF-style: chr11-62614479-T-C. GRCh37 (hg19) VCF-style: chr11-62381951-T-C.
Other names: short protein forms M271T.
Identifiers: ClinVar variation 195063 (VCV000195063.27), dbSNP rs137950927, ClinGen allele CA201529.
Genomic context (GRCh38, chr11:62,614,479, plus strand): 5'-AAGGGTGCCATGAGGTGCTGCTGGAGCACTTGCAGGACTTGGCAGGCACACTGGGTAGCA[T>C]GCTGGCTGTCACCTTCCTACTGCAGGTGAGTCAGCAAAGCATCTGACACCTCCTCCCACC-3'
Protein context (NP_000318.2, residues 261-281): LQDLAGTLGS[Met271Thr]LAVTFLLQAL

ClinVar aggregate classification (germline): Benign/Likely benign. Review status: criteria provided, multiple submitters, no conflicts (2 of 4 stars). 6 submissions from 6 submitters: Benign (4); Likely benign (2). Last evaluated 2026-01-28.

Conditions:
Retinal dystrophy. Also called: Inherited retinal dystrophy. Identifiers: Orphanet 71862, MedGen C0854723, MeSH D058499, MONDO:0019118, HP:0000556.
Retinitis pigmentosa (RP). Identifiers: Orphanet 791, MedGen C0035334, MeSH D012174, MONDO:0019200, OMIM 268000. Inheritance: Autosomal dominant, autosomal recessive and X linked inheritance.
Retinitis pigmentosa 7 (RP7). Identifiers: Orphanet 791, MedGen C1842475, MONDO:0011974, OMIM 608133.

Allele frequency attached by ClinVar (database versions not stated): ESP Exome Variant Server 0.00062; gnomAD 0.00178; TOPMed 0.00514; 1000 Genomes Project 0.00739; 1000 Genomes Project 30x 0.00843.

Submissions (6):

Labcorp Genetics (formerly Invitae), Labcorp
Classification: Benign. Last evaluated: 2026-01-28. Review status: criteria provided, single submitter. Criteria: Invitae Variant Classification Sherloc (09022015). Collection method: clinical testing. Allele origin: germline.

ARUP Laboratories, Molecular Genetics and Genomics, ARUP Laboratories
Classification: Benign for Retinitis pigmentosa 7. Last evaluated: 2023-11-08. Review status: criteria provided, single submitter. Criteria: ARUP Molecular Germline Variant Investigation Process 2024. Collection method: clinical testing. Allele origin: germline.

Dept Of Ophthalmology, Nagoya University
Classification: Benign for Retinal dystrophy. Last evaluated: 2023-10-01. Review status: criteria provided, single submitter. Criteria: Submitter's publication. Collection method: research. Allele origin: germline. Affected: yes.

Illumina Laboratory Services, Illumina
Classification: Likely benign for Retinitis pigmentosa. Last evaluated: 2017-04-27. Review status: criteria provided, single submitter. Criteria: ICSL Variant Classification Criteria 13 December 2019. Collection method: clinical testing. Allele origin: germline.
Comment: This variant was observed as part of a predisposition screen in an ostensibly healthy population. A literature search was performed for the gene, cDNA change, and amino acid change (where applicable). Publications were found based on this search. The evidence from the literature, in combination with allele frequency data from public databases where available, was sufficient to determine this variant is unlikely to cause disease. Therefore, this variant is classified as likely benign.

Eurofins Ntd Llc (ga)
Classification: Benign. Last evaluated: 2014-07-10. Review status: criteria provided, single submitter. Criteria: EGL Classification Definitions 2015. Collection method: clinical testing. Allele origin: germline. Observed: 1 variant allele, 1 heterozygote.

Breakthrough Genomics
Classification: Likely benign. Review status: criteria provided, single submitter. Criteria: ACMG Guidelines, 2015. Collection method: not provided. Allele origin: germline. Inheritance: Autosomal recessive inheritance. Affected: yes.

Literature cited by the submitters: PubMed 16799052 (cited by Illumina Laboratory Services, Illumina); PubMed 7904211 (cited by Illumina Laboratory Services, Illumina).